The following is an entry in ClinVar:

NM_001292034.3(TAB2):c.1406C>G (p.Ser469Cys)

Genes: TAB2 (TGF-beta activated kinase 1 (MAP3K7) binding protein 2; plus strand), LOC126859827 (BRD4-independent group 4 enhancer GRCh37_chr6:149699707-149700906; plus strand). Cytogenetic location: 6q25.1.
Variant type: single nucleotide variant.
Coding change: c.1406C>G on transcript NM_001292034.3 (MANE Select); coding-DNA position 1406, C replaced by G.
Protein change: p.Ser469Cys; replaces serine 469 with cysteine.
Molecular consequence: missense variant.
Genome position (GRCh38, 1-based): chr6:149,379,321, C>G. VCF-style: chr6-149379321-C-G. GRCh37 (hg19) VCF-style: chr6-149700457-C-G.
Other names: c.1310C>G, p.Ser437Cys (NM_001292035.3); c.1406C>G, p.Ser469Cys (NM_001369506.1, NM_015093.6); short protein forms S437C, S469C.
Identifiers: ClinVar variation 4741570 (VCV004741570.1).

ClinVar aggregate classification (germline): Uncertain significance (1 of 4 stars; one submission).

gnomAD v4.1: 1 of 1,614,224 alleles (0.000062%); highest among the groups gnomAD compares: Non-Finnish European, 0.000085%; no homozygotes.

Submission:

Labcorp Genetics (formerly Invitae), Labcorp
Classification: Uncertain significance. Last evaluated: 2025-04-22. Review status: criteria provided, single submitter. Criteria: Invitae Variant Classification Sherloc (09022015). Collection method: clinical testing. Allele origin: germline.
Comment: This sequence change replaces serine, which is neutral and polar, with cysteine, which is neutral and slightly polar, at codon 469 of the TAB2 protein (p.Ser469Cys). This variant is not present in population databases (gnomAD no frequency). This variant has not been reported in the literature in individuals affected with TAB2-related conditions. Invitae Evidence Modeling of protein sequence and biophysical properties (such as structural, functional, and spatial information, amino acid conservation, physicochemical variation, residue mobility, and thermodynamic stability) has been performed for this missense variant. However, the output from this modeling did not meet the statistical confidence thresholds required to predict the impact of this variant on TAB2 protein function. In summary, the available evidence is currently insufficient to determine the role of this variant in disease. Therefore, it has been classified as a Variant of Uncertain Significance.